The following is an entry in ClinVar:

NM_000551.4(VHL):c.95A>T (p.Glu32Val)

Gene: VHL (von Hippel-Lindau tumor suppressor; plus strand). Cytogenetic location: 3p25.3.
Variant type: single nucleotide variant.
Coding change: c.95A>T on transcript NM_000551.4 (MANE Select); coding-DNA position 95, A replaced by T.
Protein change: p.Glu32Val; replaces glutamic acid 32 with valine.
Molecular consequence: missense variant. On other transcripts: non-coding transcript variant (1).
Genome position (GRCh38, 1-based): chr3:10,141,942, A>T. VCF-style: chr3-10141942-A-T. GRCh37 (hg19) VCF-style: chr3-10183626-A-T.
Other names: c.95A>T, p.Glu32Val (NM_001354723.2, NM_198156.3); short protein forms E32V.
Identifiers: ClinVar variation 3753892 (VCV003753892.2).
Genomic context (GRCh38, chr3:10,141,942, plus strand): 5'-AGGTAGGCGCGGAGGAGGCAGGCGTCGAAGAGTACGGCCCTGAAGAAGACGGCGGGGAGG[A>T]GTCGGGCGCCGAGGAGTCCGGCCCGGAAGAGTCCGGCCCGGAGGAACTGGGCGCCGAGGA-3'
Protein context (NP_000542.1, residues 22-42): EYGPEEDGGE[Glu32Val]SGAEESGPEE

ClinVar aggregate classification (germline): Uncertain significance (1 of 4 stars; one submission).

Conditions:
Chuvash polycythemia. Also called: POLYCYTHEMIA, VHL-DEPENDENT. Identifiers: Orphanet 238557, MedGen C1837915, MONDO:0009892, OMIM 263400.
Von Hippel-Lindau syndrome (VHLS). Also called: VHL syndrome; von Hippel–Lindau syndrome; Von Hippel-Lindau. Identifiers: Orphanet 892, MedGen C0019562, MONDO:0008667, OMIM 193300. Disease mechanism: loss of function.

gnomAD v4.1: 1 of 1,541,364 alleles (0.000065%); highest among the groups gnomAD compares: African/African-American, 0.0014%; no homozygotes.

Submission:

Labcorp Genetics (formerly Invitae), Labcorp
Classification: Uncertain significance for Von Hippel-Lindau syndrome; Chuvash polycythemia. Last evaluated: 2024-11-20. Review status: criteria provided, single submitter. Criteria: Invitae Variant Classification Sherloc (09022015). Collection method: clinical testing. Allele origin: germline.
Comment: This sequence change replaces glutamic acid, which is acidic and polar, with valine, which is neutral and non-polar, at codon 32 of the VHL protein (p.Glu32Val). This variant is not present in population databases (gnomAD no frequency). This variant has not been reported in the literature in individuals affected with VHL-related conditions. Invitae Evidence Modeling of protein sequence and biophysical properties (such as structural, functional, and spatial information, amino acid conservation, physicochemical variation, residue mobility, and thermodynamic stability) indicates that this missense variant is not expected to disrupt VHL protein function with a negative predictive value of 95%. In summary, the available evidence is currently insufficient to determine the role of this variant in disease. Therefore, it has been classified as a Variant of Uncertain Significance.